The following is an entry in ClinVar:

ClinVar aggregate classification (germline): Uncertain significance (1 of 4 stars; one submission).

Submission:

Labcorp Genetics (formerly Invitae), Labcorp
Classification: Uncertain significance. Last evaluated: 2021-11-05. Review status: criteria provided, single submitter. Criteria: Invitae Variant Classification Sherloc (09022015). Collection method: clinical testing. Allele origin: germline.
Comment: This sequence change replaces glutamine, which is neutral and polar, with proline, which is neutral and non-polar, at codon 717 of the PRPF6 protein (p.Gln717Pro). In summary, the available evidence is currently insufficient to determine the role of this variant in disease. Therefore, it has been classified as a Variant of Uncertain Significance. Algorithms developed to predict the effect of missense changes on protein structure and function (SIFT, PolyPhen-2, Align-GVGD) all suggest that this variant is likely to be disruptive. This missense change has been observed in individual(s) with retinitis pigmentosa (Invitae). This variant is not present in population databases (gnomAD no frequency).

NM_012469.4(PRPF6):c.2150A>C (p.Gln717Pro)

Gene: PRPF6 (pre-mRNA processing factor 6; plus strand). Cytogenetic location: 20q13.33.
Variant type: single nucleotide variant.
Coding change: c.2150A>C on transcript NM_012469.4 (MANE Select); coding-DNA position 2150, A replaced by C.
Protein change: p.Gln717Pro; replaces glutamine 717 with proline.
Molecular consequence: missense variant.
Genome position (GRCh38, 1-based): chr20:64,027,103, A>C. VCF-style: chr20-64027103-A-C. GRCh37 (hg19) VCF-style: chr20-62658456-A-C.
Other names: short protein forms Q717P.
Identifiers: ClinVar variation 1501674 (VCV001501674.6), dbSNP rs2123098670, ClinGen allele CA409740298.